The following is an entry in ClinVar:

ClinVar aggregate classification (germline): Pathogenic (1 of 4 stars; one submission).

Conditions:
Early-infantile DEE. Also called: Early infantile epileptic encephalopathy; Ohtahara syndrome; Early infantile epileptic encephalopathy with suppression bursts. Identifiers: Orphanet 1934, MedGen C0393706, MONDO:0800491.

Submission:

Labcorp Genetics (formerly Invitae), Labcorp
Classification: Pathogenic for Early-infantile DEE. Last evaluated: 2020-12-31. Review status: criteria provided, single submitter. Criteria: Invitae Variant Classification Sherloc (09022015). Collection method: clinical testing. Allele origin: germline.
Comment: Algorithms developed to predict the effect of missense changes on protein structure and function (SIFT, PolyPhen-2, Align-GVGD) all suggest that this variant is likely to be disruptive, but these predictions have not been confirmed by published functional studies and their clinical significance is uncertain. For these reasons, this variant has been classified as Pathogenic. This variant disrupts the p.Ala201 amino acid residue in SCN1A. Other variant(s) that disrupt this residue have been observed in individuals with SCN1A-related conditions (Invitae), which suggests that this may be a clinically significant amino acid residue. This variant has been observed in individual(s) with Dravet syndrome (PMID: 28079314). In at least one individual the variant was observed to be de novo. This variant is not present in population databases (ExAC no frequency). This sequence change replaces alanine with glutamic acid at codon 201 of the SCN1A protein (p.Ala201Glu). The alanine residue is highly conserved and there is a moderate physicochemical difference between alanine and glutamic acid.

Literature cited by the submitters: PubMed 28079314.

NM_001165963.4(SCN1A):c.602C>A (p.Ala201Glu)

Gene: SCN1A (sodium voltage-gated channel alpha subunit 1; minus strand). Cytogenetic location: 2q24.3.
Variant type: single nucleotide variant.
Coding change: c.602C>A on transcript NM_001165963.4 (MANE Select); coding-DNA position 602, C replaced by A.
Protein change: p.Ala201Glu; replaces alanine 201 with glutamic acid.
Molecular consequence: missense variant. On other transcripts: 5 prime UTR variant (1), non-coding transcript variant (1).
Genome position (GRCh38, 1-based): chr2:166,054,638, G>T on the plus strand (C>A on the coding strand, the complement: SCN1A is on the minus strand). VCF-style: chr2-166054638-G-T. GRCh37 (hg19) VCF-style: chr2-166911148-G-T.
Other names: c.602C>A, p.Ala201Glu (NM_001165964.3, NM_001202435.3, NM_001353948.2 and 10 more transcripts); c.-1824C>A (NM_001353961.2); short protein forms A201E.
Identifiers: ClinVar variation 1446124 (VCV001446124.9), dbSNP rs1553551312, ClinGen allele CA317138.